The following is an entry in ClinVar:

ClinVar aggregate classification (germline): Benign. Review status: criteria provided, multiple submitters, no conflicts (2 of 4 stars). 7 submissions from 7 submitters: Benign (7). Last evaluated 2026-02-03.

Conditions:
Pseudohypoaldosteronism type 2E (PHA2E). Also called: Pseudohypoaldosteronism Type IIE. Identifiers: Orphanet 300530, Orphanet 757, MedGen C3469606, MONDO:0013782, OMIM 614496.

Allele frequency attached by ClinVar (database versions not stated): gnomAD exomes 0.14861 and 0.18419; ESP Exome Variant Server 0.17438; gnomAD 0.18190 and 0.18508; ExAC 0.18455; TOPMed 0.19084; 1000 Genomes Project 30x 0.23220; 1000 Genomes Project 0.23263.
gnomAD v4.1: 242,457 of 1,588,794 alleles (15%); highest among the groups gnomAD compares: East Asian, 29%; 20,901 homozygotes.

Submissions (7):

Labcorp Genetics (formerly Invitae), Labcorp
Classification: Benign. Last evaluated: 2026-02-03. Review status: criteria provided, single submitter. Criteria: Invitae Variant Classification Sherloc (09022015). Collection method: clinical testing. Allele origin: germline.

Blueprint Genetics
Classification: Benign. Last evaluated: 2024-11-26. Review status: criteria provided, single submitter. Criteria: ACMG Guidelines, 2015. Collection method: clinical testing. Allele origin: germline.

Mayo Clinic Laboratories, Mayo Clinic
Classification: Benign. Last evaluated: 2022-03-09. Review status: criteria provided, single submitter. Criteria: ACMG Guidelines, 2015. Collection method: clinical testing. Allele origin: germline. Observed: 52 variant alleles.

GeneDx
Classification: Benign. Last evaluated: 2018-11-12. Review status: criteria provided, single submitter. Criteria: GeneDx Variant Classification Process June 2021. Collection method: clinical testing. Allele origin: germline. Affected: yes.

Illumina Laboratory Services, Illumina
Classification: Benign for Pseudohypoaldosteronism type 2E. Last evaluated: 2018-01-13. Review status: criteria provided, single submitter. Criteria: ICSL Variant Classification Criteria 13 December 2019. Collection method: clinical testing. Allele origin: germline.
Comment: This variant was observed in the ICSL laboratory as part of a predisposition screen in an ostensibly healthy population. It had not been previously curated by ICSL or reported in the Human Gene Mutation Database (HGMD: prior to June 1st, 2018), and was therefore a candidate for classification through an automated scoring system. Utilizing variant allele frequency, disease prevalence and penetrance estimates, and inheritance mode, an automated score was calculated to assess if this variant is too frequent to cause the disease. Based on the score and internal cut-off values, a variant classified as benign is not then subjected to further curation. The score for this variant resulted in a classification of benign for this disease.

Breakthrough Genomics
Classification: Benign. Review status: criteria provided, single submitter. Criteria: ACMG Guidelines, 2015. Collection method: not provided. Allele origin: germline. Inheritance: Autosomal dominant inheritance. Affected: yes.

PreventionGenetics, part of Exact Sciences
Classification: Benign. Review status: criteria provided, single submitter. Criteria: ACMG Guidelines, 2015. Collection method: clinical testing. Allele origin: germline.

NM_003590.5(CUL3):c.1992A>G (p.Gln664=)

Gene: CUL3 (cullin 3; minus strand). Cytogenetic location: 2q36.2.
Variant type: single nucleotide variant.
Coding change: c.1992A>G on transcript NM_003590.5 (MANE Select); coding-DNA position 1992, A replaced by G.
Protein change: p.Gln664=; no amino-acid change (glutamine 664 retained).
Molecular consequence: synonymous variant.
Genome position (GRCh38, 1-based): chr2:224,481,929, T>C on the plus strand (A>G on the coding strand, the complement: CUL3 is on the minus strand). VCF-style: chr2-224481929-T-C. GRCh37 (hg19) VCF-style: chr2-225346646-T-C.
Other names: p.Gln664=; c.1794A>G, p.Gln598= (NM_001257197.2); c.2010A>G, p.Gln670= (NM_001257198.2).
Identifiers: ClinVar variation 259092 (VCV000259092.19), dbSNP rs2070127, ClinGen allele CA2139865.